The following is an entry in ClinVar:

NM_004977.3(KCNC3):c.*1181C>A

Gene: KCNC3 (potassium voltage-gated channel subfamily C member 3; minus strand). Cytogenetic location: 19q13.33.
Variant type: single nucleotide variant.
Coding change: c.*1181C>A on transcript NM_004977.3 (MANE Select); 1181 bases downstream of the stop codon, C replaced by A.
Molecular consequence: 3 prime UTR variant. On other transcripts: non-coding transcript variant (1).
Genome position (GRCh38, 1-based): chr19:50,314,934, G>T on the plus strand (C>A on the coding strand, the complement: KCNC3 is on the minus strand). VCF-style: chr19-50314934-G-T. GRCh37 (hg19) VCF-style: chr19-50818191-G-T.
Other names: c.*1181C>A (NM_001372305.1).
Identifiers: ClinVar variation 3777869 (VCV003777869.7).

ClinVar aggregate classification (germline): Benign (1 of 4 stars; one submission).

Submission:

CeGaT Center for Human Genetics Tuebingen
Classification: Benign. Last evaluated: 2025-05-01. Review status: criteria provided, single submitter. Criteria: CeGaT Center For Human Genetics Tuebingen Variant Classification Criteria Version 2. Collection method: clinical testing. Allele origin: germline. Affected: yes. Observed: 2 variant alleles.
Comment: KCNC3: BS1, BS2